The following is an entry in ClinVar:

ClinVar aggregate classification (germline): Uncertain significance (1 of 4 stars; one submission).

gnomAD v4.1: 1 of 1,614,082 alleles (0.000062%); highest among the groups gnomAD compares: Non-Finnish European, 0.000085%; no homozygotes.

Submission:

Women's Health and Genetics/Laboratory Corporation of America, LabCorp
Classification: Uncertain significance. Last evaluated: 2024-09-04. Review status: criteria provided, single submitter. Criteria: LabCorp Variant Classification Summary - May 2015. Collection method: clinical testing. Allele origin: germline.
Comment: Variant summary: EPG5 c.695C>T (p.Ala232Val) results in a non-conservative amino acid change in the encoded protein sequence. Three of five in-silico tools predict a benign effect of the variant on protein function. The variant allele was found at a frequency of 4e-06 in 249338 control chromosomes. The available data on variant occurrences in the general population are insufficient to allow any conclusion about variant significance. To our knowledge, no occurrence of c.695C>T in individuals affected with Vici Syndrome and no experimental evidence demonstrating its impact on protein function have been reported. No submitters have cited clinical-significance assessments for this variant to ClinVar. Based on the evidence outlined above, the variant was classified as uncertain significance.

NM_020964.3(EPG5):c.695C>T (p.Ala232Val)

Gene: EPG5 (ectopic P-granules 5 autophagy tethering factor; minus strand). Cytogenetic location: 18q21.1.
Variant type: single nucleotide variant.
Coding change: c.695C>T on transcript NM_020964.3 (MANE Select); coding-DNA position 695, C replaced by T.
Protein change: p.Ala232Val; replaces alanine 232 with valine.
Molecular consequence: missense variant.
Genome position (GRCh38, 1-based): chr18:45,954,707, G>A on the plus strand (C>T on the coding strand, the complement: EPG5 is on the minus strand). VCF-style: chr18-45954707-G-A. GRCh37 (hg19) VCF-style: chr18-43534673-G-A.
Other names: c.695C>T, p.Ala232Val (NM_001410858.1, NM_001410859.1); short protein forms A232V.
Identifiers: ClinVar variation 3375089 (VCV003375089.1).